The following is an entry in ClinVar:

NM_004380.3(CREBBP):c.5456G>A (p.Cys1819Tyr)

Gene: CREBBP (CREB binding lysine acetyltransferase; minus strand). Cytogenetic location: 16p13.3.
Variant type: single nucleotide variant.
Coding change: c.5456G>A on transcript NM_004380.3 (MANE Select); coding-DNA position 5456, G replaced by A.
Protein change: p.Cys1819Tyr; replaces cysteine 1819 with tyrosine.
Molecular consequence: missense variant.
Genome position (GRCh38, 1-based): chr16:3,729,591, C>T on the plus strand (G>A on the coding strand, the complement: CREBBP is on the minus strand). VCF-style: chr16-3729591-C-T. GRCh37 (hg19) VCF-style: chr16-3779592-C-T.
Other names: c.5342G>A, p.Cys1781Tyr (NM_001079846.1); short protein forms C1781Y, C1819Y.
Identifiers: ClinVar variation 3776057 (VCV003776057.1).

ClinVar aggregate classification (germline): Uncertain significance (1 of 4 stars; one submission).

Conditions:
Rubinstein-Taybi syndrome due to CREBBP mutations (RSTS1). Also called: BROAD THUMBS AND GREAT TOES, CHARACTERISTIC FACIES, AND IMPAIRED INTELLECTUAL DEVELOPMENT; BROAD THUMB-HALLUX SYNDROME; RUBINSTEIN-TAYBI SYNDROME 1, INCOMPLETE; Rubinstein-Taybi syndrome 1; CREBBP-Related Rubinstein-Taybi Syndrome; RUBINSTEIN SYNDROME. Identifiers: Orphanet 353277, Orphanet 783, MedGen C4551859, MONDO:0008393, OMIM 180849.

Submission:

3billion
Classification: Uncertain significance for Rubinstein-Taybi syndrome due to CREBBP mutations. Last evaluated: 2023-07-17. Review status: criteria provided, single submitter. Criteria: ACMG Guidelines, 2015. Collection method: clinical testing. Allele origin: germline. Affected: yes.
Comment: The variant is not observed in the gnomAD v2.1.1 dataset. Predicted Consequence/Location: Missense variant In silico tool predictions suggest damaging effect of the variant on gene or gene product (REVEL: 0.93; 3Cnet: 0.99). A different missense change at the same codon (p.Cys1819Phe) has been reported to be associated with CREBBP related disorder (PMID: 27311832). However, the evidence of pathogenicity is insufficient at this time. Therefore, this variant is classified as VUS according to the recommendation of ACMG/AMP guideline.

Literature cited by the submitters: PubMed 27311832.